The following is an entry in ClinVar:

NM_000742.4(CHRNA2):c.*1392A>G

Gene: CHRNA2 (cholinergic receptor nicotinic alpha 2 subunit; minus strand). Cytogenetic location: 8p21.2.
Variant type: single nucleotide variant.
Coding change: c.*1392A>G on transcript NM_000742.4 (MANE Select); 1392 bases downstream of the stop codon, A replaced by G.
Molecular consequence: 3 prime UTR variant.
Genome position (GRCh38, 1-based): chr8:27,460,237, T>C on the plus strand (A>G on the coding strand, the complement: CHRNA2 is on the minus strand). VCF-style: chr8-27460237-T-C. GRCh37 (hg19) VCF-style: chr8-27317754-T-C.
Other names: c.*1392A>G (NM_001282455.2, NM_001347705.2, NM_001347706.2 and 2 more transcripts).
Identifiers: ClinVar variation 362670 (VCV000362670.5), dbSNP rs564765220, ClinGen allele CA10627569.

ClinVar aggregate classification (germline): Benign (1 of 4 stars; one submission).

Conditions:
Autosomal dominant nocturnal frontal lobe epilepsy 4. Also called: EPILEPSY, FAMILIAL, WITH NOCTURNAL WANDERING AND ICTAL FEAR; CHRNA2-Related Nocturnal Frontal Lobe Epilepsy, Autosomal Dominant. Identifiers: Orphanet 98784, MedGen C1835905, MONDO:0012474, OMIM 610353.

Allele frequency attached by ClinVar (database versions not stated): gnomAD 0.00049 and 0.00052; TOPMed 0.00056; 1000 Genomes Project 0.00080; 1000 Genomes Project 30x 0.00109.

Submission:

Illumina Laboratory Services, Illumina
Classification: Benign for Autosomal dominant nocturnal frontal lobe epilepsy 4. Last evaluated: 2018-01-12. Review status: criteria provided, single submitter. Criteria: ICSL Variant Classification Criteria 13 December 2019. Collection method: clinical testing. Allele origin: germline.
Comment: This variant was observed in the ICSL laboratory as part of a predisposition screen in an ostensibly healthy population. It had not been previously curated by ICSL or reported in the Human Gene Mutation Database (HGMD: prior to June 1st, 2018), and was therefore a candidate for classification through an automated scoring system. Utilizing variant allele frequency, disease prevalence and penetrance estimates, and inheritance mode, an automated score was calculated to assess if this variant is too frequent to cause the disease. Based on the score and internal cut-off values, a variant classified as benign is not then subjected to further curation. The score for this variant resulted in a classification of benign for this disease.